The following is an entry in ClinVar:

ClinVar aggregate classification (germline): Uncertain significance. Review status: criteria provided, multiple submitters, no conflicts (2 of 4 stars). 2 submissions from 2 submitters: Uncertain significance (2). Last evaluated 2023-12-01.

Allele frequency attached by ClinVar (database versions not stated): gnomAD exomes below 0.00001; TOPMed below 0.00001.

Submissions (2):

Blueprint Genetics
Classification: Uncertain significance. Last evaluated: 2023-12-01. Review status: criteria provided, single submitter. Criteria: ACMG Guidelines, 2015. Collection method: clinical testing. Allele origin: germline.

Labcorp Genetics (formerly Invitae), Labcorp
Classification: Uncertain significance. Last evaluated: 2019-11-07. Review status: criteria provided, single submitter. Criteria: Invitae Variant Classification Sherloc (09022015). Collection method: clinical testing. Allele origin: germline.
Comment: In summary, the available evidence is currently insufficient to determine the role of this variant in disease. Therefore, it has been classified as a Variant of Uncertain Significance. Algorithms developed to predict the effect of missense changes on protein structure and function (SIFT, PolyPhen-2, Align-GVGD) all suggest that this variant is likely to be tolerated, but these predictions have not been confirmed by published functional studies and their clinical significance is uncertain. This variant has not been reported in the literature in individuals with PDE6A-related conditions. This variant is not present in population databases (ExAC no frequency). This sequence change replaces proline with serine at codon 154 of the PDE6A protein (p.Pro154Ser). The proline residue is moderately conserved and there is a moderate physicochemical difference between proline and serine.

NM_000440.3(PDE6A):c.460C>T (p.Pro154Ser)

Gene: PDE6A (phosphodiesterase 6A; minus strand). Cytogenetic location: 5q32.
Variant type: single nucleotide variant.
Coding change: c.460C>T on transcript NM_000440.3 (MANE Select); coding-DNA position 460, C replaced by T.
Protein change: p.Pro154Ser; replaces proline 154 with serine.
Molecular consequence: missense variant.
Genome position (GRCh38, 1-based): chr5:149,944,214, G>A on the plus strand (C>T on the coding strand, the complement: PDE6A is on the minus strand). VCF-style: chr5-149944214-G-A. GRCh37 (hg19) VCF-style: chr5-149323777-G-A.
Other names: short protein forms P154S.
Identifiers: ClinVar variation 961927 (VCV000961927.8), dbSNP rs1448494474, ClinGen allele CA361699870.